The following is an entry in ClinVar:

NM_005612.5(REST):c.2855A>G (p.Asp952Gly)

Gene: REST (RE1 silencing transcription factor; plus strand). Cytogenetic location: 4q12.
Variant type: single nucleotide variant.
Coding change: c.2855A>G on transcript NM_005612.5 (MANE Select); coding-DNA position 2855, A replaced by G.
Protein change: p.Asp952Gly; replaces aspartic acid 952 with glycine.
Molecular consequence: missense variant.
Genome position (GRCh38, 1-based): chr4:56,931,713, A>G. VCF-style: chr4-56931713-A-G. GRCh37 (hg19) VCF-style: chr4-57797879-A-G.
Other names: c.2855A>G, p.Asp952Gly (NM_001193508.2, NM_001363453.3); short protein forms D952G.
Identifiers: ClinVar variation 747131 (VCV000747131.15), dbSNP rs148565623, ClinGen allele CA2932568.

ClinVar aggregate classification (germline): Conflicting classifications of pathogenicity. Review status: criteria provided, conflicting classifications (1 of 4 stars). 4 submissions from 4 submitters: Uncertain significance (1); Likely benign (3). Last evaluated 2025-10-08.

Allele frequency attached by ClinVar (database versions not stated): gnomAD exomes 0.00008 and 0.00023; ExAC 0.00037; TOPMed 0.00105; ESP Exome Variant Server 0.00108; gnomAD 0.00114 and 0.00123; 1000 Genomes Project 0.00140; 1000 Genomes Project 30x 0.00172.
gnomAD v4.1: 298 of 1,614,208 alleles (0.018%); highest among the groups gnomAD compares: African/African-American, 0.36%; no homozygotes.

Submissions (4):

Labcorp Genetics (formerly Invitae), Labcorp
Classification: Likely benign. Last evaluated: 2025-10-08. Review status: criteria provided, single submitter. Criteria: Invitae Variant Classification Sherloc (09022015). Collection method: clinical testing. Allele origin: germline.

GeneDx
Classification: Uncertain significance. Last evaluated: 2024-12-27. Review status: criteria provided, single submitter. Criteria: GeneDx Variant Classification Process June 2021. Collection method: clinical testing. Allele origin: germline. Affected: yes.
Comment: In silico analysis supports that this missense variant has a deleterious effect on protein structure/function; Has not been previously published as pathogenic or benign to our knowledge

Blueprint Genetics
Classification: Likely benign. Last evaluated: 2024-07-18. Review status: criteria provided, single submitter. Criteria: ACMG Guidelines, 2015. Collection method: clinical testing. Allele origin: germline.

Breakthrough Genomics
Classification: Likely benign. Review status: criteria provided, single submitter. Criteria: ACMG Guidelines, 2015. Collection method: not provided. Allele origin: germline. Inheritance: Autosomal dominant inheritance. Affected: yes.